The following is an entry in ClinVar:

NM_002972.4(SBF1):c.5011G>A (p.Ala1671Thr)

Gene: SBF1 (SET binding factor 1; minus strand). Cytogenetic location: 22q13.33.
Variant type: single nucleotide variant.
Coding change: c.5011G>A on transcript NM_002972.4 (MANE Select); coding-DNA position 5011, G replaced by A.
Protein change: p.Ala1671Thr; replaces alanine 1671 with threonine.
Molecular consequence: missense variant.
Genome position (GRCh38, 1-based): chr22:50,454,544, C>T on the plus strand (G>A on the coding strand, the complement: SBF1 is on the minus strand). VCF-style: chr22-50454544-C-T. GRCh37 (hg19) VCF-style: chr22-50892973-C-T.
Other names: p.Ala1671Thr; c.4936G>A, p.Ala1646Thr (NM_001365819.1); c.5014G>A, p.Ala1672Thr (NM_001410794.1); c.4933G>A, p.Ala1645Thr (NM_001410795.1); short protein forms A1645T, A1646T, A1671T, A1672T.
Identifiers: ClinVar variation 4542463 (VCV004542463.1).

ClinVar aggregate classification (germline): Uncertain significance (1 of 4 stars; one submission).

gnomAD v4.1: 12 of 1,610,902 alleles (0.00074%); highest among the groups gnomAD compares: Non-Finnish European, 0.001%; no homozygotes.

Submission:

Mayo Clinic Laboratories, Mayo Clinic
Classification: Uncertain significance. Last evaluated: 2025-10-06. Review status: criteria provided, single submitter. Criteria: ACMG Guidelines, 2015. Collection method: clinical testing. Allele origin: germline. Observed: 1 variant allele.
Comment: BP4_moderate, PM2_supporting